The following is an entry in ClinVar:

ClinVar aggregate classification (germline): Uncertain significance (1 of 4 stars; one submission).

Conditions:
Imerslund-Grasbeck syndrome. Also called: Megaloblastic anemia due to inborn errors of metabolism; Imerslund-Gräsbeck syndrome; ENTEROCYTE COBALAMIN MALABSORPTION; ENTEROCYTE INTRINSIC FACTOR RECEPTOR, DEFECT OF; PERNICIOUS ANEMIA, JUVENILE, DUE TO SELECTIVE INTESTINAL MALABSORPTION OF VITAMIN B12, WITH PROTEINURIA. Identifiers: Orphanet 35858, MedGen C4551825, MONDO:0009853.

gnomAD v4.1: 1 of 1,613,592 alleles (0.000062%); highest among the groups gnomAD compares: South Asian, 0.0011%; no homozygotes.

Submission:

Labcorp Genetics (formerly Invitae), Labcorp
Classification: Uncertain significance for Imerslund-Grasbeck syndrome. Last evaluated: 2024-05-23. Review status: criteria provided, single submitter. Criteria: Invitae Variant Classification Sherloc (09022015). Collection method: clinical testing. Allele origin: germline.
Comment: This sequence change replaces serine, which is neutral and polar, with asparagine, which is neutral and polar, at codon 1571 of the CUBN protein (p.Ser1571Asn). This variant is present in population databases (no rsID available, gnomAD 0.003%). This variant has not been reported in the literature in individuals affected with CUBN-related conditions. Advanced modeling of protein sequence and biophysical properties (such as structural, functional, and spatial information, amino acid conservation, physicochemical variation, residue mobility, and thermodynamic stability) performed at Invitae indicates that this missense variant is not expected to disrupt CUBN protein function with a negative predictive value of 80%. In summary, the available evidence is currently insufficient to determine the role of this variant in disease. Therefore, it has been classified as a Variant of Uncertain Significance.

NM_001081.4(CUBN):c.4712G>A (p.Ser1571Asn)

Gene: CUBN (cubilin; minus strand). Cytogenetic location: 10p13.
Variant type: single nucleotide variant.
Coding change: c.4712G>A on transcript NM_001081.4 (MANE Select); coding-DNA position 4712, G replaced by A.
Protein change: p.Ser1571Asn; replaces serine 1571 with asparagine.
Molecular consequence: missense variant.
Genome position (GRCh38, 1-based): chr10:16,954,532, C>T on the plus strand (G>A on the coding strand, the complement: CUBN is on the minus strand). VCF-style: chr10-16954532-C-T. GRCh37 (hg19) VCF-style: chr10-16996531-C-T.
Other names: short protein forms S1571N.
Identifiers: ClinVar variation 3633299 (VCV003633299.2).